The following is an entry in ClinVar:

NM_014141.6(CNTNAP2):c.2136C>T (p.Asn712=)

Gene: CNTNAP2 (contactin associated protein 2; plus strand). Cytogenetic location: 7q35.
Variant type: single nucleotide variant.
Coding change: c.2136C>T on transcript NM_014141.6 (MANE Select); coding-DNA position 2136, C replaced by T.
Protein change: p.Asn712=; no amino-acid change (asparagine 712 retained).
Molecular consequence: synonymous variant.
Genome position (GRCh38, 1-based): chr7:147,903,602, C>T. VCF-style: chr7-147903602-C-T. GRCh37 (hg19) VCF-style: chr7-147600694-C-T.
Identifiers: ClinVar variation 377709 (VCV000377709.30), dbSNP rs187552025, ClinGen allele CA4546322.

ClinVar aggregate classification (germline): Conflicting classifications of pathogenicity. Review status: criteria provided, conflicting classifications (1 of 4 stars). 8 submissions from 8 submitters: Uncertain significance (1); Benign (1); Likely benign (5). 1 of the submissions does not count toward it. Last evaluated 2026-01-26.

Conditions:
Inborn genetic diseases. Identifiers: MedGen C0950123, MeSH D030342.
CNTNAP2-related disorder. Also called: CNTNAP2-related condition.
Cortical dysplasia-focal epilepsy syndrome (PTHSL1). Also called: Pitt-Hopkins-like syndrome 1. Identifiers: Orphanet 163681, Orphanet 221150, MedGen C2750246, MONDO:0012400, OMIM 610042.

Allele frequency attached by ClinVar (database versions not stated): TOPMed 0.00005; 1000 Genomes Project 30x 0.00016; ExAC 0.00017; 1000 Genomes Project 0.00040.
gnomAD v4.1: 96 of 1,614,126 alleles (0.0059%); highest among the groups gnomAD compares: Admixed American, 0.1%; no homozygotes.

Submissions (8):

Labcorp Genetics (formerly Invitae), Labcorp
Classification: Likely benign for Cortical dysplasia-focal epilepsy syndrome. Last evaluated: 2026-01-26. Review status: criteria provided, single submitter. Criteria: Invitae Variant Classification Sherloc (09022015). Collection method: clinical testing. Allele origin: germline.

CeGaT Center for Human Genetics Tuebingen
Classification: Likely benign. Last evaluated: 2025-12-01. Review status: criteria provided, single submitter. Criteria: CeGaT Center For Human Genetics Tuebingen Variant Classification Criteria Version 2. Collection method: clinical testing. Allele origin: germline. Affected: yes. Observed: 1 variant allele.
Comment: CNTNAP2: BP4, BP7

Women's Health and Genetics/Laboratory Corporation of America, LabCorp
Classification: Likely benign. Last evaluated: 2025-05-30. Review status: criteria provided, single submitter. Criteria: LabCorp Variant Classification Summary - May 2015. Collection method: clinical testing. Allele origin: germline.

Athena Diagnostics
Classification: Benign. Last evaluated: 2024-10-10. Review status: criteria provided, single submitter. Criteria: Athena Diagnostics Criteria. Collection method: clinical testing. Allele origin: unknown.

GeneDx
Classification: Likely benign. Last evaluated: 2021-02-23. Review status: criteria provided, single submitter. Criteria: GeneDx Variant Classification Process June 2021. Collection method: clinical testing. Allele origin: germline. Affected: yes.

Ambry Genetics
Classification: Likely benign for Inborn genetic diseases. Last evaluated: 2018-12-24. Review status: criteria provided, single submitter. Criteria: Ambry Variant Classification Scheme 2023. Collection method: clinical testing. Allele origin: germline.

Eurofins Ntd Llc (ga)
Classification: Uncertain significance. Last evaluated: 2016-12-16. Review status: criteria provided, single submitter. Criteria: EGL Classification Definitions 2015. Collection method: clinical testing. Allele origin: germline. Observed: 1 variant allele, 1 heterozygote.

PreventionGenetics, part of Exact Sciences
Classification: Likely benign for CNTNAP2-related condition. Last evaluated: 2019-09-06. Review status: no assertion criteria provided. Collection method: clinical testing. Allele origin: germline. Not counted in ClinVar's aggregate classification.
Comment: This variant is classified as likely benign based on ACMG/AMP sequence variant interpretation guidelines (Richards et al. 2015 PMID: 25741868, with internal and published modifications).